The following is an entry in ClinVar:

ClinVar aggregate classification (germline): Uncertain significance. Review status: criteria provided, multiple submitters, no conflicts (2 of 4 stars). 2 submissions from 2 submitters: Uncertain significance (2). Last evaluated 2026-09-13.

Conditions:
Hereditary cancer-predisposing syndrome. Also called: Hereditary Cancer Syndrome; Neoplastic Syndromes, Hereditary; Hereditary neoplastic syndrome; Tumor predisposition. Identifiers: Orphanet 140162, MedGen C0027672, MeSH D009386, MONDO:0015356.

gnomAD v4.1: 2 of 1,614,178 alleles (0.00012%); highest among the groups gnomAD compares: Non-Finnish European, 0.00017%; no homozygotes.

Submissions (2):

Ambry Genetics
Classification: Uncertain significance for Hereditary cancer-predisposing syndrome. Last evaluated: 2026-09-13. Review status: criteria provided, single submitter. Criteria: Ambry Variant Classification Scheme 2023. Collection method: clinical testing. Allele origin: germline.
Comment: The p.G804R variant (also known as c.2410G>C), located in coding exon 16 of the CTNNA1 gene, results from a G to C substitution at nucleotide position 2410. The glycine at codon 804 is replaced by arginine, an amino acid with dissimilar properties. This amino acid position is conserved. In addition, the in silico prediction for this alteration is inconclusive. Based on the available evidence, the clinical significance of this variant remains unclear.

Labcorp Genetics (formerly Invitae), Labcorp
Classification: Uncertain significance. Last evaluated: 2025-10-29. Review status: criteria provided, single submitter. Criteria: Invitae Variant Classification Sherloc (09022015). Collection method: clinical testing. Allele origin: germline.
Comment: This sequence change replaces glycine, which is neutral and non-polar, with arginine, which is basic and polar, at codon 804 of the CTNNA1 protein (p.Gly804Arg). This variant is not present in population databases (gnomAD no frequency). This variant has not been reported in the literature in individuals affected with CTNNA1-related conditions. ClinVar contains an entry for this variant (Variation ID: 1366300). An algorithm developed to predict the effect of missense changes on protein structure and function (PolyPhen-2) suggests that this variant is likely to be disruptive. In summary, the available evidence is currently insufficient to determine the role of this variant in disease. Therefore, it has been classified as a Variant of Uncertain Significance.

NM_001903.5(CTNNA1):c.2410G>C (p.Gly804Arg)

Gene: CTNNA1 (catenin alpha 1; plus strand). Cytogenetic location: 5q31.2.
Variant type: single nucleotide variant.
Coding change: c.2410G>C on transcript NM_001903.5 (MANE Select); coding-DNA position 2410, G replaced by C.
Protein change: p.Gly804Arg; replaces glycine 804 with arginine.
Molecular consequence: missense variant. On other transcripts: intron variant (1).
Genome position (GRCh38, 1-based): chr5:138,932,689, G>C. VCF-style: chr5-138932689-G-C. GRCh37 (hg19) VCF-style: chr5-138268378-G-C.
Other names: c.1300G>C, p.Gly434Arg (NM_001323994.1, NM_001323995.1, NM_001323996.1 and 16 more transcripts); c.2410G>C, p.Gly804Arg (NM_001290307.3, NM_001323982.2, NM_001323983.1 and 2 more transcripts); c.2101G>C, p.Gly701Arg (NM_001290309.3); c.2041G>C, p.Gly681Arg (NM_001290310.3); c.2317G>C, p.Gly773Arg (NM_001323986.2); c.961G>C, p.Gly321Arg (NM_001324006.1, NM_001324007.1, NM_001324008.1 and 2 more transcripts); c.1207G>C, p.Gly403Arg (NM_001324011.1); c.1057G>C, p.Gly353Arg (NM_001324012.1, NM_001324013.1); and 2 more; short protein forms G773R, G321R, G403R, G434R, G804R, G681R, G701R, G353R.
Identifiers: ClinVar variation 1366300 (VCV001366300.9), dbSNP rs1765627973, ClinGen allele CA361134526.
Genomic context (GRCh38, chr5:138,932,689, plus strand): 5'-GCCCTCTACTGCCACCAGCTGAACATCTGCAGCAAGGTCAAGGCCGAGGTGCAGAATCTC[G>C]GCGGGGAGCTTGTTGTCTCTGGGGTAAGCATTAGCTGAACAAAAAGAGGGCCAGTGGGAA-3'
Protein context (NP_001894.2, residues 794-814): SKVKAEVQNL[Gly804Arg]GELVVSGVDS